The following is an entry in ClinVar:

ClinVar aggregate classification (germline): Uncertain significance (1 of 4 stars; one submission).

Submission:

Labcorp Genetics (formerly Invitae), Labcorp
Classification: Uncertain significance. Last evaluated: 2025-10-29. Review status: criteria provided, single submitter. Criteria: Invitae Variant Classification Sherloc (09022015). Collection method: clinical testing. Allele origin: germline.
Comment: This sequence change replaces cysteine, which is neutral and slightly polar, with serine, which is neutral and polar, at codon 241 of the A2ML1 protein (p.Cys241Ser). This variant is not present in population databases (gnomAD no frequency). This variant has not been reported in the literature in individuals affected with A2ML1-related conditions. An algorithm developed to predict the effect of missense changes on protein structure and function (PolyPhen-2) suggests that this variant is likely to be disruptive. In summary, the available evidence is currently insufficient to determine the role of this variant in disease. Therefore, it has been classified as a Variant of Uncertain Significance.

NM_144670.6(A2ML1):c.721T>A (p.Cys241Ser)

Gene: A2ML1 (alpha-2-macroglobulin like 1; plus strand). Cytogenetic location: 12p13.31.
Variant type: single nucleotide variant.
Coding change: c.721T>A on transcript NM_144670.6 (MANE Select); coding-DNA position 721, T replaced by A.
Protein change: p.Cys241Ser; replaces cysteine 241 with serine.
Molecular consequence: missense variant.
Genome position (GRCh38, 1-based): chr12:8,836,332, T>A. VCF-style: chr12-8836332-T-A. GRCh37 (hg19) VCF-style: chr12-8988928-T-A.
Other names: short protein forms C241S.
Identifiers: ClinVar variation 4730166 (VCV004730166.1).
Genomic context (GRCh38, chr12:8,836,332, plus strand): 5'-GTGGAAGTGGTGGAACCCAAGGAGTTATCAACGGTGCAGGAATCTTTCTTAGTAAAAATT[T>A]GTTGTAGGTAAGAGCAGAAGCTTGGGATCTGGTGGAGATTAAAGATGCATCGAGAGACAT-3'
Protein context (NP_653271.3, residues 231-251): TVQESFLVKI[Cys241Ser]CRYTYGKPML